The following is an entry in ClinVar:

ClinVar aggregate classification (germline): Conflicting classifications of pathogenicity. Review status: criteria provided, conflicting classifications (1 of 4 stars). 3 submissions from 3 submitters: Uncertain significance (1); Likely benign (2). Last evaluated 2024-09-24.

Conditions:
Charcot-Marie-Tooth disease dominant intermediate B (CMTDIB). Also called: CHARCOT-MARIE-TOOTH NEUROPATHY, DOMINANT INTERMEDIATE B; Charcot-Marie-Tooth disease dominant intermediate 1; CMT DI1; Charcot-Marie-Tooth disease dominant intermediate I. Identifiers: Orphanet 100044, Orphanet 228179, MedGen C1847902, MONDO:0011674, OMIM 606482.

Allele frequency attached by ClinVar (database versions not stated): gnomAD exomes below 0.00001; TOPMed below 0.00001.
gnomAD v4.1: 6 of 1,611,616 alleles (0.00037%); highest among the groups gnomAD compares: Non-Finnish European, 0.00051%; no homozygotes.

Submissions (3):

Labcorp Genetics (formerly Invitae), Labcorp
Classification: Likely benign for Charcot-Marie-Tooth disease dominant intermediate B. Last evaluated: 2024-09-24. Review status: criteria provided, single submitter. Criteria: Invitae Variant Classification Sherloc (09022015). Collection method: clinical testing. Allele origin: germline.

Revvity Omics, Revvity
Classification: Uncertain significance. Last evaluated: 2020-08-07. Review status: criteria provided, single submitter. Criteria: ACMG Guidelines, 2015. Collection method: clinical testing. Allele origin: germline.

GeneDx
Classification: Likely benign. Last evaluated: 2018-03-05. Review status: criteria provided, single submitter. Criteria: GeneDx Variant Classification (06012015). Collection method: clinical testing. Allele origin: germline. Affected: yes.
Comment: This variant is considered likely benign or benign based on one or more of the following criteria: it is a conservative change, it occurs at a poorly conserved position in the protein, it is predicted to be benign by multiple in silico algorithms, and/or has population frequency not consistent with disease.

NM_001005361.3(DNM2):c.1546-18A>C

Gene: DNM2 (dynamin 2; plus strand). Cytogenetic location: 19p13.2.
Variant type: single nucleotide variant.
Coding change: c.1546-18A>C on transcript NM_001005361.3 (MANE Select); 18 bases into the intron before coding-DNA position 1546, A replaced by C.
Molecular consequence: intron variant.
Genome position (GRCh38, 1-based): chr19:10,808,551, A>C. VCF-style: chr19-10808551-A-C. GRCh37 (hg19) VCF-style: chr19-10919227-A-C.
Other names: c.1546-18A>C (NM_001005360.3, NM_001190716.2); c.1545+2584A>C (NM_004945.4, NM_001005362.3).
Identifiers: ClinVar variation 515852 (VCV000515852.8), dbSNP rs1426762153, ClinGen allele CA631752399.